The following is an entry in ClinVar:

ClinVar aggregate classification (germline): Conflicting classifications of pathogenicity. Review status: criteria provided, conflicting classifications (1 of 4 stars). 8 submissions from 8 submitters: Uncertain significance (7); Likely benign (1). Last evaluated 2026-07-06.

Conditions:
SMARCA4-related disorder. Also called: SMARCA4-related condition.
Hereditary cancer-predisposing syndrome. Also called: Hereditary Cancer Syndrome; Tumor predisposition; Hereditary neoplastic syndrome; Neoplastic Syndromes, Hereditary. Identifiers: Orphanet 140162, MedGen C0027672, MeSH D009386, MONDO:0015356.
Intellectual disability, autosomal dominant 16 (CSS4). Also called: COFFIN-SIRIS SYNDROME 4. Identifiers: Orphanet 1465, MedGen C3553249, MONDO:0013821, OMIM 614609.
Rhabdoid tumor predisposition syndrome 2 (RTPS2). Identifiers: Orphanet 231108, Orphanet 69077, MedGen C2750074, MONDO:0013224, OMIM 613325.

Allele frequency attached by ClinVar (database versions not stated): ExAC 0.00001; gnomAD exomes 0.00001; TOPMed 0.00002; gnomAD 0.00003; ESP Exome Variant Server 0.00008.
gnomAD v4.1: 35 of 1,604,326 alleles (0.0022%); highest among the groups gnomAD compares: Non-Finnish European, 0.0026%; no homozygotes.

Submissions (8):

Myriad Genetics, Inc.
Classification: Likely benign for Rhabdoid tumor predisposition syndrome 2. Last evaluated: 2026-07-06. Review status: criteria provided, single submitter. Criteria: Myriad Autosomal Dominant, Autosomal Recessive and X-Linked Classification Criteria (2023). Collection method: clinical testing. Allele origin: unknown.
Comment: This variant is considered likely benign. This variant has been observed at a population frequency that is significantly greater than expected given the associated disease prevalence and penetrance.

Labcorp Genetics (formerly Invitae), Labcorp
Classification: Uncertain significance for Rhabdoid tumor predisposition syndrome 2. Last evaluated: 2025-11-27. Review status: criteria provided, single submitter. Criteria: Invitae Variant Classification Sherloc (09022015). Collection method: clinical testing. Allele origin: germline.
Comment: This sequence change replaces proline, which is neutral and non-polar, with threonine, which is neutral and polar, at codon 336 of the SMARCA4 protein (p.Pro336Thr). This variant is present in population databases (rs111491424, gnomAD 0.004%). This missense change has been observed in individual(s) with an unspecified cancer type (PMID: 28873162). ClinVar contains an entry for this variant (Variation ID: 220684). Invitae Evidence Modeling of protein sequence and biophysical properties (such as structural, functional, and spatial information, amino acid conservation, physicochemical variation, residue mobility, and thermodynamic stability) indicates that this missense variant is not expected to disrupt SMARCA4 protein function with a negative predictive value of 80%. In summary, the available evidence is currently insufficient to determine the role of this variant in disease. Therefore, it has been classified as a Variant of Uncertain Significance.

Ambry Genetics
Classification: Uncertain significance for Hereditary cancer-predisposing syndrome. Last evaluated: 2025-08-20. Review status: criteria provided, single submitter. Criteria: Ambry Variant Classification Scheme 2023. Collection method: clinical testing. Allele origin: germline.
Comment: The p.P336T variant (also known as c.1006C>A), located in coding exon 5 of the SMARCA4 gene, results from a C to A substitution at nucleotide position 1006. The proline at codon 336 is replaced by threonine, an amino acid with highly similar properties. This variant has been detected in multiple individuals with no reported features of Coffin-Siris syndrome (Ambry internal data). This amino acid position is highly conserved in available vertebrate species. In addition, the in silico prediction for this alteration is inconclusive. Based on the supporting evidence, the association of this alteration with rhabdoid tumor predisposition syndrome is unknown; however, the association of this alteration with Coffin-Siris syndrome is unlikely.

PreventionGenetics, part of Exact Sciences
Classification: Uncertain significance for SMARCA4-related condition. Last evaluated: 2025-07-01. Review status: criteria provided, single submitter. Criteria: ACMG Guidelines, 2015. Collection method: clinical testing. Allele origin: germline.
Comment: The SMARCA4 c.1006C>A variant is predicted to result in the amino acid substitution p.Pro336Thr. To our knowledge, this variant has not been reported in the literature. This variant is reported in 0.0032% of alleles in individuals of European (Non-Finnish) descent in gnomAD and is interpreted as uncertain in ClinVar. At this time, the clinical significance of this variant is uncertain due to the absence of conclusive functional and genetic evidence.

Baylor Genetics
Classification: Uncertain significance for Rhabdoid tumor predisposition syndrome 2. Last evaluated: 2024-03-18. Review status: criteria provided, single submitter. Criteria: ACMG Guidelines, 2015. Collection method: clinical testing. Allele origin: unknown.

GeneDx
Classification: Uncertain significance. Last evaluated: 2023-05-07. Review status: criteria provided, single submitter. Criteria: GeneDx Variant Classification Process June 2021. Collection method: clinical testing. Allele origin: germline. Affected: yes.
Comment: In silico analysis supports that this missense variant has a deleterious effect on protein structure/function; Has not been previously published as pathogenic or benign to our knowledge

Sema4
Classification: Uncertain significance for Hereditary cancer-predisposing syndrome. Last evaluated: 2021-11-15. Review status: criteria provided, single submitter. Criteria: Sema4 Curation Guidelines. Collection method: curation. Allele origin: germline.
Comment: The SMARCA4 c.1006C>A (p.P336T) variant has been reported in heterozygosity in at least one individual with advanced cancer (PMID: 28873162). It was observed in 3/94640 chromosomes of the Non-Finnish European subpopulation in the large and broad cohorts of the Genome Aggregation Database (PMID: 32461654). The variant has been reported in ClinVar (Variation ID 220684). Functional studies have not been performed, and in silico predictions of the variant's effect on protein function are inconclusive. The evidence is insufficient to meet ACMG/AMP criteria for classifying the variant as benign or pathogenic. Thus, the clinical significance of this variant is currently uncertain.

Genome-Nilou Lab
Classification: Uncertain significance for Intellectual disability, autosomal dominant 16. Last evaluated: 2021-07-15. Review status: criteria provided, single submitter. Criteria: ACMG Guidelines, 2015. Collection method: clinical testing. Allele origin: germline. Affected: no.

Literature cited by the submitters: PubMed 28873162 (cited by 3 submitters).

NM_003072.5(SMARCA4):c.1006C>A (p.Pro336Thr)

Gene: SMARCA4 (SWI/SNF related BAF chromatin remodeling complex subunit ATPase 4; plus strand). Cytogenetic location: 19p13.2.
Variant type: single nucleotide variant.
Coding change: c.1006C>A on transcript NM_003072.5 (MANE Select); coding-DNA position 1006, C replaced by A.
Protein change: p.Pro336Thr; replaces proline 336 with threonine.
Molecular consequence: missense variant. On other transcripts: non-coding transcript variant (1).
Genome position (GRCh38, 1-based): chr19:10,987,812, C>A. VCF-style: chr19-10987812-C-A. GRCh37 (hg19) VCF-style: chr19-11098488-C-A.
Other names: c.1006C>A, p.Pro336Thr (NM_001128844.3, NM_001128845.2, NM_001128846.2 and 5 more transcripts); short protein forms P336T.
Identifiers: ClinVar variation 220684 (VCV000220684.23), dbSNP rs111491424, ClinGen allele CA349565.